The following is an entry in ClinVar:

NM_000222.3(KIT):c.620-18C>T

Gene: KIT (KIT proto-oncogene, receptor tyrosine kinase; plus strand). Cytogenetic location: 4q12.
Variant type: single nucleotide variant.
Coding change: c.620-18C>T on transcript NM_000222.3 (MANE Select); 18 bases into the intron before coding-DNA position 620, C replaced by T.
Molecular consequence: intron variant.
Genome position (GRCh38, 1-based): chr4:54,699,612, C>T. VCF-style: chr4-54699612-C-T. GRCh37 (hg19) VCF-style: chr4-55565778-C-T.
Other names: c.620-18C>T (NM_001385284.1, NM_001385290.1, NM_001385288.1 and 4 more transcripts).
Identifiers: ClinVar variation 3611893 (VCV003611893.3).

ClinVar aggregate classification (germline): Likely benign. Review status: criteria provided, multiple submitters, no conflicts (2 of 4 stars). 2 submissions from 2 submitters: Likely benign (2). Last evaluated 2026-05-26.

Conditions:
Gastrointestinal stromal tumor. Also called: Gastrointestinal stromal tumor, somatic; Gastrointestinal stroma tumor. Identifiers: Orphanet 44890, MedGen C0238198, MeSH D046152, MONDO:0011719, OMIM 606764, HP:0100723.

gnomAD v4.1: 2 of 1,613,724 alleles (0.00012%); highest among the groups gnomAD compares: Non-Finnish European, 0.00017%; no homozygotes.

Submissions (2):

Myriad Genetics, Inc.
Classification: Likely benign for Gastrointestinal stromal tumor. Last evaluated: 2026-05-26. Review status: criteria provided, single submitter. Criteria: Myriad Autosomal Dominant, Autosomal Recessive and X-Linked Classification Criteria (2023). Collection method: clinical testing. Allele origin: unknown.
Comment: This variant is considered likely benign. This variant is intronic and is not expected to impact mRNA splicing.

Labcorp Genetics (formerly Invitae), Labcorp
Classification: Likely benign for Gastrointestinal stromal tumor. Last evaluated: 2024-07-24. Review status: criteria provided, single submitter. Criteria: Invitae Variant Classification Sherloc (09022015). Collection method: clinical testing. Allele origin: germline.